The following is an entry in ClinVar:

NM_000297.4(PKD2):c.596-1G>T

Gene: PKD2 (polycystin 2, transient receptor potential cation channel; plus strand). Cytogenetic location: 4q22.1.
Variant type: single nucleotide variant.
Coding change: c.596-1G>T on transcript NM_000297.4 (MANE Select); the canonical splice acceptor site of the intron before coding-DNA position 596, G replaced by T.
Molecular consequence: splice acceptor variant.
Genome position (GRCh38, 1-based): chr4:88,019,457, G>T. VCF-style: chr4-88019457-G-T. GRCh37 (hg19) VCF-style: chr4-88940609-G-T.
Identifiers: ClinVar variation 586315 (VCV000586315.2), dbSNP rs1560597874, ClinGen allele CA357628155.
Genomic context (GRCh38, chr4:88,019,457, plus strand): 5'-CCATTCATGAGATTTCTTAAATAAAATGATATCTTTTCTTTTCTTCATTATTATTTTAAA[G>T]GTCTCTGGGGAACAAGACTCATGGAGGAAAGCAGCACTAACCGAGAGAAATACCTTAAAA-3'

ClinVar aggregate classification (germline): Pathogenic (1 of 4 stars; one submission).

Submission:

Athena Diagnostics
Classification: Pathogenic. Last evaluated: 2018-08-20. Review status: criteria provided, single submitter. Criteria: Athena Diagnostics Criteria. Collection method: clinical testing. Allele origin: germline.
Comment: The variant disrupts a canonical splice site, and is therefore predicted to significantly disrupt the protein structure. Found in at least one symptomatic patient, and not found in general population data.